The following is an entry in ClinVar:

NM_002480.3(PPP1R12A):c.2861A>G (p.Asn954Ser)

Gene: PPP1R12A (protein phosphatase 1 regulatory subunit 12A; minus strand). Cytogenetic location: 12q21.2.
Variant type: single nucleotide variant.
Coding change: c.2861A>G on transcript NM_002480.3 (MANE Select); coding-DNA position 2861, A replaced by G.
Protein change: p.Asn954Ser; replaces asparagine 954 with serine.
Molecular consequence: missense variant. On other transcripts: intron variant (1).
Genome position (GRCh38, 1-based): chr12:79,786,420, T>C on the plus strand (A>G on the coding strand, the complement: PPP1R12A is on the minus strand). VCF-style: chr12-79786420-T-C. GRCh37 (hg19) VCF-style: chr12-80180200-T-C.
Other names: c.2861A>G, p.Asn954Ser (NM_001143885.2); c.2600A>G, p.Asn867Ser (NM_001143886.2); c.2693A>G, p.Asn898Ser (NM_001244992.1); c.2802+2228A>G (NM_001244990.2); short protein forms N867S, N898S, N954S.
Identifiers: ClinVar variation 2540686 (VCV002540686.28), dbSNP rs61754237, ClinGen allele CA6699325.
Genomic context (GRCh38, chr12:79,786,420, plus strand): 5'-AAAAGGGTACAAACCTGGGTGGCCTTTTCCAACTGTAATTTAAGATCTGTTAGTTCCATA[T>C]TTGTATCATGTAGCTGTGCCTTCAGCTTTTCATTTTCAGCTAGAATTTGTTCATAAAGCT-3'
Protein context (NP_002471.1, residues 944-964): EKLKAQLHDT[Asn954Ser]MELTDLKLQL

ClinVar aggregate classification (germline): Conflicting classifications of pathogenicity. Review status: criteria provided, conflicting classifications (1 of 4 stars). 3 submissions from 3 submitters: Uncertain significance (1); Likely benign (2). Last evaluated 2025-07-31.

Conditions:
Inborn genetic diseases. Identifiers: MedGen C0950123, MeSH D030342.

Allele frequency attached by ClinVar (database versions not stated): gnomAD 0.00011; 1000 Genomes Project 30x 0.00016; ESP Exome Variant Server 0.00017; gnomAD exomes 0.00017; 1000 Genomes Project 0.00020; TOPMed 0.00031; ExAC 0.00051.
gnomAD v4.1: 270 of 1,564,348 alleles (0.017%); highest among the groups gnomAD compares: Middle Eastern, 0.12%; 1 homozygote.

Submissions (3):

Ambry Genetics
Classification: Uncertain significance for Inborn genetic diseases. Last evaluated: 2025-07-31. Review status: criteria provided, single submitter. Criteria: Ambry Variant Classification Scheme 2023. Collection method: clinical testing. Allele origin: germline.

Laboratory of Genetics, Children's Clinical University Hospital Latvia
Classification: Likely benign. Last evaluated: 2025-02-16. Review status: criteria provided, single submitter. Criteria: ACMG Guidelines, 2015. Collection method: clinical testing. Allele origin: germline. Affected: yes.

CeGaT Center for Human Genetics Tuebingen
Classification: Likely benign. Last evaluated: 2022-10-01. Review status: criteria provided, single submitter. Criteria: CeGaT Center For Human Genetics Tuebingen Variant Classification Criteria Version 2. Collection method: clinical testing. Allele origin: germline. Affected: yes. Observed: 1 variant allele.
Comment: PPP1R12A: BS2